The following is an entry in ClinVar:

ClinVar aggregate classification (germline): Benign (1 of 4 stars; one submission).

Allele frequency attached by ClinVar (database versions not stated): 1000 Genomes Project 0.29054; 1000 Genomes Project 30x 0.29091; TOPMed 0.39064; gnomAD 0.42017; ESP Exome Variant Server 0.44893.
gnomAD v4.1: 698,345 of 1,435,212 alleles (49%); highest among the groups gnomAD compares: Non-Finnish European, 53%; 180,913 homozygotes.

Submission:

Unidad de Genómica Garrahan, Hospital de Pediatría Garrahan
Classification: Benign. Last evaluated: 2024-01-24. Review status: criteria provided, single submitter. Criteria: ACMG Guidelines, 2015. Collection method: clinical testing. Allele origin: germline. Affected: no. Observed: 58 variant alleles.
Comment: This variant is classified as Benign based on local population frequency. This variant was detected in 61% of patients studied by a panel of primary immunodeficiencies. Number of patients: 58. Only high quality variants are reported.

NM_015122.3(FCHO1):c.1259+68G>A

Genes: FCHO1 (FCH and mu domain containing endocytic adaptor 1; plus strand), LOC130063960 (ATAC-STARR-seq lymphoblastoid active region 14285; plus strand). Cytogenetic location: 19p13.11.
Variant type: single nucleotide variant.
Coding change: c.1259+68G>A on transcript NM_015122.3 (MANE Select); 68 bases into the intron after coding-DNA position 1259, G replaced by A.
Molecular consequence: intron variant.
Genome position (GRCh38, 1-based): chr19:17,776,754, G>A. VCF-style: chr19-17776754-G-A. GRCh37 (hg19) VCF-style: chr19-17887563-G-A.
Other names: c.1259+68G>A (NM_001384370.1, NM_001384396.1, NM_001384404.1 and 25 more transcripts); c.1184+68G>A (NM_001384390.1); c.1109+68G>A (NM_001384406.1, NM_001384384.1, NM_001384385.1 and 2 more transcripts); c.1057+483G>A (NM_001384407.1); c.1214+68G>A (NM_001384403.1); c.1220+68G>A (NM_001384388.1, NM_001384405.1, NM_001384389.1).
Identifiers: ClinVar variation 2688067 (VCV002688067.2), dbSNP rs13345379, ClinGen allele CA14656999.
Genomic context (GRCh38, chr19:17,776,754, plus strand): 5'-CCACACGAGTGGGCAGGTGGGGGCTGTCCCCACCTCCTCCCTCCACCTCCCCATGTCTCC[G>A]CCTGGTGTTCTCTTGTCCCGGCTGGGAGTTGACGTCATGCTGGGGTTTTTTTGTTTTTGT-3'